The following is an entry in ClinVar:

NM_000092.5(COL4A4):c.2197G>T (p.Gly733Ter)

Gene: COL4A4 (collagen type IV alpha 4 chain; minus strand). Cytogenetic location: 2q36.3.
Variant type: single nucleotide variant.
Coding change: c.2197G>T on transcript NM_000092.5 (MANE Select); coding-DNA position 2197, G replaced by T.
Protein change: p.Gly733Ter; replaces glycine 733 with a stop codon.
Molecular consequence: nonsense.
Genome position (GRCh38, 1-based): chr2:227,059,591, C>A on the plus strand (G>T on the coding strand, the complement: COL4A4 is on the minus strand). VCF-style: chr2-227059591-C-A. GRCh37 (hg19) VCF-style: chr2-227924307-C-A.
Other names: short protein forms G733*.
Identifiers: ClinVar variation 1726863 (VCV001726863.2), dbSNP rs2474225085, ClinGen allele CA350842174.

ClinVar aggregate classification (germline): Likely pathogenic (1 of 4 stars; one submission).

Conditions:
Autosomal recessive Alport syndrome (ATS2). Also called: Alport syndrome type 2; COL4A4 Alport Syndrome and Thin Basement Membrane Nephropathy; ALPORT SYNDROME 2, AUTOSOMAL RECESSIVE; COL4A3-Related Nephropathy. Identifiers: Orphanet 63, Orphanet 88919, MedGen C4746745, MONDO:0008762, OMIM 203780.

Submission:

Myriad Genetics, Inc.
Classification: Likely pathogenic for Autosomal recessive Alport syndrome. Last evaluated: 2022-01-02. Review status: criteria provided, single submitter. Criteria: Myriad Women's Health Autosomal Recessive and X-Linked Classification Criteria (2021). Collection method: clinical testing. Allele origin: unknown.
Comment: NM_000092.4(COL4A4):c.2197G>T(G733*) is expected to be pathogenic in the context of COL4A4-related Alport syndrome. This variant is predicted to lead to an abnormal or absent protein product due to the creation of a premature termination codon in COL4A4, a gene where loss-of-function variants are known to be pathogenic. Please note: this variant was assessed in the context of healthy population screening.